The following is an entry in ClinVar:

ClinVar aggregate classification (germline): Likely benign. Review status: criteria provided, multiple submitters, no conflicts (2 of 4 stars). 6 submissions from 6 submitters: Likely benign (6). Last evaluated 2025-09-09.

Conditions:
Hereditary spastic paraplegia 74. Also called: Spastic paraplegia 74, autosomal recessive. Identifiers: Orphanet 468661, MedGen C5568837, MONDO:0014644, OMIM 616451.
Multiple mitochondrial dysfunctions syndrome 3 (MMDS3). Identifiers: Orphanet 363424, MedGen C3809165, MONDO:0014132, OMIM 615330.

Allele frequency attached by ClinVar (database versions not stated): 1000 Genomes Project 0.00020; ESP Exome Variant Server 0.00023; gnomAD exomes 0.00027 and 0.00050; 1000 Genomes Project 30x 0.00031; gnomAD 0.00038 and 0.00040; ExAC 0.00043; TOPMed 0.00048.
gnomAD v4.1: 493 of 1,612,906 alleles (0.031%); highest among the groups gnomAD compares: Middle Eastern, 0.74%; 2 homozygotes.

Submissions (6):

Labcorp Genetics (formerly Invitae), Labcorp
Classification: Likely benign for Multiple mitochondrial dysfunctions syndrome 3; Hereditary spastic paraplegia 74. Last evaluated: 2025-09-09. Review status: criteria provided, single submitter. Criteria: Invitae Variant Classification Sherloc (09022015). Collection method: clinical testing. Allele origin: germline.

Mayo Clinic Laboratories, Mayo Clinic
Classification: Likely benign. Last evaluated: 2025-09-04. Review status: criteria provided, single submitter. Criteria: ACMG Guidelines, 2015. Collection method: clinical testing. Allele origin: germline. Observed: 4 variant alleles.
Comment: BP4, BP7

Blueprint Genetics
Classification: Likely benign. Last evaluated: 2024-11-13. Review status: criteria provided, single submitter. Criteria: ACMG Guidelines, 2015. Collection method: clinical testing. Allele origin: germline.

CeGaT Center for Human Genetics Tuebingen
Classification: Likely benign. Last evaluated: 2024-08-01. Review status: criteria provided, single submitter. Criteria: CeGaT Center For Human Genetics Tuebingen Variant Classification Criteria Version 2. Collection method: clinical testing. Allele origin: germline. Affected: yes. Observed: 4 variant alleles.
Comment: IBA57: BP4, BP7

GeneDx
Classification: Likely benign. Last evaluated: 2021-05-27. Review status: criteria provided, single submitter. Criteria: GeneDx Variant Classification Process June 2021. Collection method: clinical testing. Allele origin: germline. Affected: yes.

Breakthrough Genomics
Classification: Likely benign. Review status: criteria provided, single submitter. Criteria: ACMG Guidelines, 2015. Collection method: not provided. Allele origin: germline. Inheritance: Autosomal recessive inheritance. Affected: yes.

NM_001010867.4(IBA57):c.780C>T (p.Tyr260=)

Gene: IBA57 (iron-sulfur cluster assembly factor IBA57; plus strand). Cytogenetic location: 1q42.13.
Variant type: single nucleotide variant.
Coding change: c.780C>T on transcript NM_001010867.4 (MANE Select); coding-DNA position 780, C replaced by T.
Protein change: p.Tyr260=; no amino-acid change (tyrosine 260 retained).
Molecular consequence: synonymous variant.
Genome position (GRCh38, 1-based): chr1:228,175,222, C>T. VCF-style: chr1-228175222-C-T. GRCh37 (hg19) VCF-style: chr1-228362923-C-T.
Other names: p.Tyr260=; c.201C>T, p.Tyr67= (NM_001310327.2).
Identifiers: ClinVar variation 508383 (VCV000508383.44), dbSNP rs202126055, ClinGen allele CA1431251.